The following is an entry in ClinVar:

ClinVar aggregate classification (germline): Uncertain significance (1 of 4 stars; one submission).

Conditions:
Inborn genetic diseases. Identifiers: MedGen C0950123, MeSH D030342.

Submission:

Ambry Genetics
Classification: Uncertain significance for Inborn genetic diseases. Last evaluated: 2017-06-08. Review status: criteria provided, single submitter. Criteria: Ambry Variant Classification Scheme 2023. Collection method: clinical testing. Allele origin: germline.
Comment: The c.1494_1496delCTT variant (also known as p.F498del) is located in coding exon 6 of the LINS gene. This variant results from an in-frame CTT deletion at nucleotide positions 1494 to 1496. This results in the in-frame deletion of a phenylalanine at codon 498. This nucleotide position is not well conserved in available vertebrate species. Since supporting evidence is limited at this time, the clinical significance of this alteration remains unclear.

NM_001040616.3(LINS1):c.1491CTT[1] (p.Phe498del)

Gene: LINS1 (lines homolog 1; minus strand). Cytogenetic location: 15q26.3.
Variant type: Microsatellite.
Coding change: c.1491CTT[1] on transcript NM_001040616.3 (MANE Select); one copy of the 3-base unit CTT starting at c.1491; the reference has two copies in a row; one copy, 3 bases deleted.
Protein change: p.Phe498del; deletes phenylalanine 498.
Molecular consequence: inframe deletion. On other transcripts: non-coding transcript variant (3).
Genome position (GRCh38, 1-based): chr15:100,570,016-100,570,018, AAG deleted on the plus strand (CTT on the coding strand, the reverse complement: LINS1 is on the minus strand); deleting any 3 consecutive bases within chr15:100,570,016-100,570,023 gives the same sequence; the position shown is the placement nearest the transcript's 3' end. VCF-style (leftmost placement, unchanged base first): chr15-100570015-CAAG-C. GRCh37 (hg19) VCF-style: chr15-101110220-CAAG-C.
Other names: c.744CTT[1], p.Phe249del (NM_001352507.2); c.1338CTT[1], p.Phe447del (NM_001352508.2); short protein forms F249del, F447del, F498del.
Identifiers: ClinVar variation 1799647 (VCV001799647.2), dbSNP rs760318837, ClinGen allele CA7759388.